The following is an entry in ClinVar:

ClinVar aggregate classification (germline): Uncertain significance. Review status: criteria provided, multiple submitters, no conflicts (2 of 4 stars). 4 submissions from 4 submitters: Uncertain significance (4). Last evaluated 2024-11-14.

Conditions:
Inborn genetic diseases. Identifiers: MedGen C0950123, MeSH D030342.
Neuronal ceroid lipofuscinosis 1 (CLN1). Also called: CEROID LIPOFUSCINOSIS, NEURONAL, 1, VARIABLE AGE AT ONSET; PPT1-Related Neuronal Ceroid-Lipofuscinosis. Identifiers: Orphanet 228329, MedGen C1850451, MONDO:0009744, OMIM 256730.

Allele frequency attached by ClinVar (database versions not stated): gnomAD 0.00004; TOPMed 0.00006; 1000 Genomes Project 30x 0.00016; 1000 Genomes Project 0.00020; gnomAD exomes 0.00001; ExAC 0.00004.

Submissions (4):

Dasa
Classification: Uncertain significance for Neuronal ceroid lipofuscinosis 1. Last evaluated: 2024-11-14. Review status: criteria provided, single submitter. Criteria: DASA Assertion Criteria. Collection method: clinical testing. Allele origin: germline.
Comment: NM_000310.4(PPT1):c.635A>G (p.Asn212Ser) is a missense variant that results in the substitution of asparagine with serine. This variant is rare in population databases. The currently available literature and clinical evidence are not sufficient to establish a definitive association between this variant and the reported condition. Therefore, this variant is classified as a variant of uncertain significance.

GeneDx
Classification: Uncertain significance. Last evaluated: 2023-10-16. Review status: criteria provided, single submitter. Criteria: GeneDx Variant Classification Process June 2021. Collection method: clinical testing. Allele origin: germline. Affected: yes.
Comment: Identified in an individual with blindness, however detailed clinical and segregation information was not provided (Dineiro et al., 2020); Not observed at significant frequency in large population cohorts (gnomAD); In silico analysis supports that this missense variant has a deleterious effect on protein structure/function; This variant is associated with the following publications: (PMID: 32483926)

Labcorp Genetics (formerly Invitae), Labcorp
Classification: Uncertain significance for Neuronal ceroid lipofuscinosis 1. Last evaluated: 2022-10-05. Review status: criteria provided, single submitter. Criteria: Invitae Variant Classification Sherloc (09022015). Collection method: clinical testing. Allele origin: germline.
Comment: This sequence change replaces asparagine, which is neutral and polar, with serine, which is neutral and polar, at codon 212 of the PPT1 protein (p.Asn212Ser). This variant is present in population databases (rs568730410, gnomAD 0.01%). This variant has not been reported in the literature in individuals affected with PPT1-related conditions. Advanced modeling of protein sequence and biophysical properties (such as structural, functional, and spatial information, amino acid conservation, physicochemical variation, residue mobility, and thermodynamic stability) has been performed at Invitae for this missense variant, however the output from this modeling did not meet the statistical confidence thresholds required to predict the impact of this variant on PPT1 protein function. Algorithms developed to predict the effect of sequence changes on RNA splicing suggest that this variant may create or strengthen a splice site. In summary, the available evidence is currently insufficient to determine the role of this variant in disease. Therefore, it has been classified as a Variant of Uncertain Significance.

Ambry Genetics
Classification: Uncertain significance for Inborn genetic diseases. Last evaluated: 2018-10-23. Review status: criteria provided, single submitter. Criteria: Ambry Variant Classification Scheme 2023. Collection method: clinical testing. Allele origin: germline.
Comment: The p.N212S variant (also known as c.635A>G), located in coding exon 7 of the PPT1 gene, results from an A to G substitution at nucleotide position 635. The asparagine at codon 212 is replaced by serine, an amino acid with highly similar properties. Functional evidence in the literature indicates that this N212 glycosylation site is not essential for protein activity or intracellular transport (Lyly A et al. BMC Cell Biol., 2007 Jun;8:22). This amino acid position is highly conserved in available vertebrate species. In addition, the in silico prediction for this alteration is inconclusive. Since supporting evidence is limited at this time, the clinical significance of this alteration remains unclear.

Literature cited by the submitters: PubMed 17565660 (cited by Ambry Genetics).

NM_000310.4(PPT1):c.635A>G (p.Asn212Ser)

Gene: PPT1 (palmitoyl-protein thioesterase 1; minus strand). Cytogenetic location: 1p34.2.
Variant type: single nucleotide variant.
Coding change: c.635A>G on transcript NM_000310.4 (MANE Select); coding-DNA position 635, A replaced by G.
Protein change: p.Asn212Ser; replaces asparagine 212 with serine.
Molecular consequence: missense variant.
Genome position (GRCh38, 1-based): chr1:40,078,651, T>C on the plus strand (A>G on the coding strand, the complement: PPT1 is on the minus strand). VCF-style: chr1-40078651-T-C. GRCh37 (hg19) VCF-style: chr1-40544323-T-C.
Other names: c.326A>G, p.Asn109Ser (NM_001142604.2); c.635A>G, p.Asn212Ser (NM_001363695.2); short protein forms N109S, N212S.
Identifiers: ClinVar variation 1753033 (VCV001753033.7), dbSNP rs568730410, ClinGen allele CA789596.